The following is an entry in ClinVar:

NM_001010867.4(IBA57):c.232C>G (p.Leu78Val)

Gene: IBA57 (iron-sulfur cluster assembly factor IBA57; plus strand). Cytogenetic location: 1q42.13.
Variant type: single nucleotide variant.
Coding change: c.232C>G on transcript NM_001010867.4 (MANE Select); coding-DNA position 232, C replaced by G.
Protein change: p.Leu78Val; replaces leucine 78 with valine.
Molecular consequence: missense variant.
Genome position (GRCh38, 1-based): chr1:228,166,048, C>G. VCF-style: chr1-228166048-C-G. GRCh37 (hg19) VCF-style: chr1-228353749-C-G.
Other names: short protein forms L78V.
Identifiers: ClinVar variation 1028441 (VCV001028441.1), dbSNP rs1022779300, ClinGen allele CA345105878.

ClinVar aggregate classification (germline): Uncertain significance (1 of 4 stars; one submission).

Conditions:
Hereditary spastic paraplegia 74. Also called: Spastic paraplegia 74, autosomal recessive. Identifiers: Orphanet 468661, MedGen C5568837, MONDO:0014644, OMIM 616451.

Submission:

Baylor Genetics
Classification: Uncertain significance for Hereditary spastic paraplegia 74. Last evaluated: 2020-02-19. Review status: criteria provided, single submitter. Criteria: ACMG Guidelines, 2015. Collection method: clinical testing. Allele origin: unknown. Affected: yes.
Comment: This variant was determined to be of uncertain significance according to ACMG Guidelines, 2015 [PMID:25741868].